The following is an entry in ClinVar:

NC_000009.12:g.35658022T>C

Gene: RMRP (RNA component of mitochondrial RNA processing endoribonuclease; minus strand). Cytogenetic location: 9p13.3.
Variant type: single nucleotide variant.
Genome position: GRCh38 VCF-style: chr9-35658022-T-C. GRCh37 (hg19) VCF-style: chr9-35658019-T-C.
Identifiers: ClinVar variation 516512 (VCV000516512.6), dbSNP rs555890962, ClinGen allele CA192745748.

ClinVar aggregate classification (germline): Conflicting classifications of pathogenicity. Review status: criteria provided, conflicting classifications (1 of 4 stars). 3 submissions from 3 submitters: Uncertain significance (1); Likely benign (1). 1 of the submissions does not count toward it. Last evaluated 2024-06-05.

Conditions:
Anauxetic dysplasia. Identifiers: Orphanet 93347, MedGen C1846796, MONDO:0011773.
Metaphyseal chondrodysplasia, McKusick type (CHH). Also called: Cartilage-hair hypoplasia; Cartilage-Hair Hypoplasia (CHH). Identifiers: Orphanet 175, MedGen C0220748, MONDO:0009595, OMIM 250250.

Allele frequency attached by ClinVar (database versions not stated): TOPMed 0.00006.

Submissions (3):

Labcorp Genetics (formerly Invitae), Labcorp
Classification: Uncertain significance for Anauxetic dysplasia. Last evaluated: 2024-06-05. Review status: criteria provided, single submitter. Criteria: Invitae Variant Classification Sherloc (09022015). Collection method: clinical testing. Allele origin: germline.
Comment: This variant occurs in the RMRP gene, which encodes an RNA molecule that does not result in a protein product. This variant is present in population databases (no rsID available, gnomAD 0.009%). This variant has not been reported in the literature in individuals affected with RMRP-related conditions. Experimental studies and prediction algorithms are not available or were not evaluated, and the functional significance of this variant is currently unknown. In summary, the available evidence is currently insufficient to determine the role of this variant in disease. Therefore, it has been classified as a Variant of Uncertain Significance.

GeneDx
Classification: Likely benign. Last evaluated: 2018-02-21. Review status: criteria provided, single submitter. Criteria: GeneDx Variant Classification (06012015). Collection method: clinical testing. Allele origin: germline. Affected: yes.
Comment: This variant is considered likely benign or benign based on one or more of the following criteria: it is a conservative change, it occurs at a poorly conserved position in the protein, it is predicted to be benign by multiple in silico algorithms, and/or has population frequency not consistent with disease.

Counsyl
Classification: Uncertain significance for Metaphyseal chondrodysplasia, McKusick type. Last evaluated: 2018-02-27. Review status: no assertion criteria provided. Collection method: clinical testing. Allele origin: unknown. Not counted in ClinVar's aggregate classification.